The following is an entry in ClinVar:

NC_000004.12:g.(?_122741883)_(122744035_?)del

Gene: BBS12 (Bardet-Biedl syndrome 12; plus strand). Cytogenetic location: 4q27.
Variant type: Deletion.
Identifiers: ClinVar variation 830786 (VCV000830786.1).

ClinVar aggregate classification (germline): Pathogenic (1 of 4 stars; one submission).

Conditions:
Bardet-Biedl syndrome (BBS). Identifiers: Orphanet 110, MedGen C0752166, MONDO:0015229.

Submission:

Labcorp Genetics (formerly Invitae), Labcorp
Classification: Pathogenic for Bardet-Biedl syndrome. Last evaluated: 2019-02-11. Review status: criteria provided, single submitter. Criteria: Invitae Variant Classification Sherloc (09022015). Collection method: clinical testing. Allele origin: germline.
Comment: A gross deletion of the genomic region encompassing the full coding sequence of the BBS12 gene has been identified. The boundaries of this event are unknown as the deletion extends beyond the assayed region for this gene and therefore may encompass additional genes. This variant has not been reported in the literature in individuals with BBS12-related conditions. Loss-of-function variants in BBS12 are known to be pathogenic (PMID: 17160889). For these reasons, this variant has been classified as Pathogenic.